The following is an entry in ClinVar:

NM_000428.3(LTBP2):c.4769T>C (p.Val1590Ala)

Gene: LTBP2 (latent transforming growth factor beta binding protein 2; minus strand). Cytogenetic location: 14q24.3.
Variant type: single nucleotide variant.
Coding change: c.4769T>C on transcript NM_000428.3 (MANE Select); coding-DNA position 4769, T replaced by C.
Protein change: p.Val1590Ala; replaces valine 1590 with alanine.
Molecular consequence: missense variant.
Genome position (GRCh38, 1-based): chr14:74,503,338, A>G on the plus strand (T>C on the coding strand, the complement: LTBP2 is on the minus strand). VCF-style: chr14-74503338-A-G. GRCh37 (hg19) VCF-style: chr14-74970041-A-G.
Other names: short protein forms V1590A.
Identifiers: ClinVar variation 771904 (VCV000771904.42), dbSNP rs139932140, ClinGen allele CA7268641.

ClinVar aggregate classification (germline): Conflicting classifications of pathogenicity. Review status: criteria provided, conflicting classifications (1 of 4 stars). 7 submissions from 6 submitters: Uncertain significance (1); Benign (2); Likely benign (2). 2 of the submissions do not count toward it. Last evaluated 2026-02-01.

Conditions:
Weill-Marchesani syndrome. Also called: WM Syndrome; Mesodermal dysmorphodystrophy congenital. Identifiers: Orphanet 3449, MedGen C0265313, MONDO:0018096.
Glaucoma 3, primary congenital, D. Identifiers: Orphanet 98976, MedGen C2751316, MONDO:0013122, OMIM 613086.

Allele frequency attached by ClinVar (database versions not stated): 1000 Genomes Project 30x 0.00500; 1000 Genomes Project 0.00519; TOPMed 0.00621; ESP Exome Variant Server 0.00715; gnomAD 0.00758 and 0.00769; gnomAD exomes 0.00772 and 0.00785; ExAC 0.00780.
gnomAD v4.1: 12,471 of 1,613,748 alleles (0.77%); highest among the groups gnomAD compares: Non-Finnish European, 0.8%; 74 homozygotes.

Submissions (7):

Labcorp Genetics (formerly Invitae), Labcorp
Classification: Benign. Last evaluated: 2026-02-01. Review status: criteria provided, single submitter. Criteria: Invitae Variant Classification Sherloc (09022015). Collection method: clinical testing. Allele origin: germline.

CeGaT Center for Human Genetics Tuebingen
Classification: Likely benign. Last evaluated: 2025-08-01. Review status: criteria provided, single submitter. Criteria: CeGaT Center For Human Genetics Tuebingen Variant Classification Criteria Version 2. Collection method: clinical testing. Allele origin: germline. Affected: yes. Observed: 4 variant alleles.
Comment: LTBP2: BS2

GeneDx
Classification: Likely benign. Last evaluated: 2021-03-08. Review status: criteria provided, single submitter. Criteria: GeneDx Variant Classification Process June 2021. Collection method: clinical testing. Allele origin: germline. Affected: yes.

Illumina Laboratory Services, Illumina
Classification: Uncertain significance for Glaucoma 3, primary congenital, D. Last evaluated: 2017-04-27. Review status: criteria provided, single submitter. Criteria: ICSL Variant Classification Criteria 13 December 2019. Collection method: clinical testing. Allele origin: germline.
Comment: This variant was observed as part of a predisposition screen in an ostensibly healthy population. A literature search was performed for the gene, cDNA change, and amino acid change (where applicable). Publications were found based on this search. However, the evidence from the literature, in combination with allele frequency data from public databases where available, was not sufficient to rule this variant in or out of causing disease. Therefore, this variant is classified as a variant of unknown significance.

Illumina Laboratory Services, Illumina
Classification: Benign for Weill-Marchesani syndrome. Last evaluated: 2017-04-27. Review status: criteria provided, single submitter. Criteria: ICSL Variant Classification Criteria 13 December 2019. Collection method: clinical testing. Allele origin: germline.
Comment: This variant was observed as part of a predisposition screen in an ostensibly healthy population. A literature search was performed for the gene, cDNA change, and amino acid change (where applicable). Publications were found based on this search. The evidence from the literature, in combination with allele frequency data from public databases where available, was sufficient to rule this variant out of causing disease. Therefore, this variant is classified as benign.

Genome Diagnostics Laboratory, Amsterdam University Medical Center
Classification: Benign. Review status: no assertion criteria provided. Collection method: clinical testing. Allele origin: germline. Affected: yes. Study: VKGL Data-share Consensus. Not counted in ClinVar's aggregate classification.

Laboratory of Diagnostic Genome Analysis, Leiden University Medical Center (LUMC)
Classification: Likely benign. Review status: no assertion criteria provided. Collection method: clinical testing. Allele origin: germline. Affected: yes. Study: VKGL Data-share Consensus. Not counted in ClinVar's aggregate classification.

Literature cited by the submitters: PubMed 26425313 (cited by Illumina Laboratory Services, Illumina).